The following is an entry in ClinVar:

ClinVar aggregate classification (germline): Uncertain significance. Review status: criteria provided, multiple submitters, no conflicts (2 of 4 stars). 2 submissions from 2 submitters: Uncertain significance (2). Last evaluated 2025-03-04.

Submissions (2):

Center for Genomic Medicine, Rigshospitalet, Copenhagen University Hospital
Classification: Uncertain significance. Last evaluated: 2025-03-04. Review status: criteria provided, single submitter. Criteria: ACMG Guidelines, 2015. Collection method: clinical testing. Allele origin: germline.

Ambry Genetics
Classification: Uncertain significance. Last evaluated: 2024-10-01. Review status: criteria provided, single submitter. Criteria: Ambry Variant Classification Scheme 2023. Collection method: clinical testing. Allele origin: germline.
Comment: The p.R371C variant (also known as c.1111C>T), located in coding exon 3 of the EGLN1 gene, results from a C to T substitution at nucleotide position 1111. The arginine at codon 371 is replaced by cysteine, an amino acid with highly dissimilar properties. This amino acid position is well conserved in available vertebrate species. In addition, this alteration is predicted to be deleterious by in silico analysis. The evidence for this gene-disease relationship is limited; therefore, the clinical significance of this alteration is unclear.

Literature cited by the submitters: PubMed 27774468 (cited by Center for Genomic Medicine, Rigshospitalet, Copenhagen University Hospital); PubMed 35142155 (cited by Center for Genomic Medicine, Rigshospitalet, Copenhagen University Hospital); PubMed 17579185 (cited by Center for Genomic Medicine, Rigshospitalet, Copenhagen University Hospital).

NM_022051.3(EGLN1):c.1111C>T (p.Arg371Cys)

Gene: EGLN1 (egl-9 family hypoxia inducible factor 1; minus strand). Cytogenetic location: 1q42.2.
Variant type: single nucleotide variant.
Coding change: c.1111C>T on transcript NM_022051.3 (MANE Select); coding-DNA position 1111, C replaced by T.
Protein change: p.Arg371Cys; replaces arginine 371 with cysteine.
Molecular consequence: missense variant. On other transcripts: intron variant (1).
Genome position (GRCh38, 1-based): chr1:231,370,599, G>A on the plus strand (C>T on the coding strand, the complement: EGLN1 is on the minus strand). VCF-style: chr1-231370599-G-A. GRCh37 (hg19) VCF-style: chr1-231506345-G-A.
Other names: c.1111C>T, p.Arg371Cys (NM_001377260.1); c.1012-2963C>T (NM_001377261.1); c.1111C>T (NM_022051.2); short protein forms R371C.
Identifiers: ClinVar variation 3256514 (VCV003256514.3).